The following is an entry in ClinVar:

NM_001020658.2(PUM1):c.962_965dup (p.Ala323fs)

Gene: PUM1 (pumilio RNA binding family member 1; minus strand). Cytogenetic location: 1p35.2.
Variant type: Duplication.
Coding change: c.962_965dup on transcript NM_001020658.2 (MANE Select); coding-DNA positions 962 to 965, 4 bases duplicated (GCTT; older notation c.962_965dupGCTT).
Protein change: p.Ala323fs; shifts the reading frame from alanine 323.
Molecular consequence: frameshift variant.
Genome position (GRCh38, 1-based): chr1:30,992,583-30,992,586, AAGC duplicated on the plus strand (GCTT on the coding strand, the reverse complement: PUM1 is on the minus strand). VCF-style (leftmost placement, unchanged base first): chr1-30992582-T-TAAGC. GRCh37 (hg19) VCF-style: chr1-31465429-T-TAAGC.
Other names: c.962_965dup, p.Ala323fs (NM_014676.3); short protein forms A323fs.
Identifiers: ClinVar variation 2363668 (VCV002363668.2), dbSNP rs2521806004, ClinGen allele CA2574388964.

ClinVar aggregate classification (germline): Pathogenic (1 of 4 stars; one submission).

Conditions:
Inborn genetic diseases. Identifiers: MedGen C0950123, MeSH D030342.

Submission:

Ambry Genetics
Classification: Pathogenic for Inborn genetic diseases. Last evaluated: 2021-06-28. Review status: criteria provided, single submitter. Criteria: Ambry Variant Classification Scheme 2023. Collection method: clinical testing. Allele origin: germline.
Comment: The c.962_965dupGCTT (p.A323Lfs*40) alteration, located in exon 7 (coding exon 6) of the PUM1 gene, consists of a duplication of GCTT at position 962, causing a translational frameshift with a predicted alternate stop codon after 40 amino acids. This alteration is expected to result in loss of function by premature protein truncation or nonsense-mediated mRNA decay. Based on data from the Genome Aggregation Database (gnomAD), the PUM1 c.962_965dupGCTT alteration was not observed, with coverage at this position. Based on the available evidence, this alteration is classified as pathogenic.